The following is an entry in ClinVar:

ClinVar aggregate classification (germline): Likely benign (3 of 4 stars; one submission).

Conditions:
Breast-ovarian cancer, familial, susceptibility to, 1 (BROVCA1). Also called: BRCA1 Hereditary Breast and Ovarian Cancer; OVARIAN CANCER, SUSCEPTIBILITY TO. Identifiers: Orphanet 145, MedGen C2676676, MONDO:0011450, OMIM 604370. Disease mechanism: loss of function.

Allele frequency attached by ClinVar (database versions not stated): gnomAD exomes below 0.00001; ExAC 0.00001.
gnomAD v4.1: 2 of 1,614,052 alleles (0.00012%); highest among the groups gnomAD compares: South Asian, 0.0011%; no homozygotes.

Submissions (2):

Evidence-based Network for the Interpretation of Germline Mutant Alleles (ENIGMA)
Classification: Likely benign for Breast-ovarian cancer, familial, susceptibility to, 1. Last evaluated: 2017-06-29. Review status: reviewed by expert panel. Criteria: ENIGMA BRCA1/2 Classification Criteria (2017-06-29). Collection method: curation. Allele origin: germline.
Comment: Synonymous substitution variant, with low bioinformatic likelihood to result in a splicing aberration (Splicing prior probability 0.02).

Brotman Baty Institute, University of Washington
No classification provided (evidence only). Condition: Breast-ovarian cancer, familial 1. Review status: no classification provided. Collection method: in vitro. Allele origin: not applicable. Functional consequence: functionally_normal. Not counted in ClinVar's aggregate classification.
ClinVar note: "not provided" was previously submitted as the classification for the variant. However, the classification appeared to be based only on an observation of functional data so it was converted to no classification on 2025-07-30.

NM_007294.4(BRCA1):c.5394C>T (p.Phe1798=)

Gene: BRCA1 (BRCA1 DNA repair associated; minus strand). Cytogenetic location: 17q21.31.
Variant type: single nucleotide variant.
Coding change: c.5394C>T on transcript NM_007294.4 (MANE Select); coding-DNA position 5394, C replaced by T.
Protein change: p.Phe1798=; no amino-acid change (phenylalanine 1798 retained).
Molecular consequence: synonymous variant. On other transcripts: intron variant (19).
Genome position (GRCh38, 1-based): chr17:43,049,133, G>A on the plus strand (C>T on the coding strand, the complement: BRCA1 is on the minus strand). VCF-style: chr17-43049133-G-A. GRCh37 (hg19) VCF-style: chr17-41201150-G-A.
Other names: c.5184C>T, p.Phe1728= (NM_001407881.1, NM_001407882.1, NM_001407884.1 and 5 more transcripts); c.5181C>T, p.Phe1727= (NM_001407894.1, NM_001407895.1, NM_001407896.1 and 12 more transcripts); c.5178C>T, p.Phe1726= (NM_001407915.1, NM_001407916.1, NM_001407917.1 and 1 more transcripts); c.5130C>T, p.Phe1710= (NM_001407920.1, NM_001407921.1, NM_001407922.1 and 4 more transcripts); c.5127C>T, p.Phe1709= (NM_001407927.1, NM_001407928.1, NM_001407929.1 and 4 more transcripts); c.5124C>T, p.Phe1708= (NM_001407934.1, NM_001407935.1, NM_001407936.1); c.5061C>T, p.Phe1687= (NM_001407946.1, NM_001407947.1, NM_001407948.1 and 1 more transcripts); c.5058C>T, p.Phe1686= (NM_001407950.1, NM_001407951.1, NM_001407952.1 and 3 more transcripts); and 84 more.
Identifiers: ClinVar variation 427362 (VCV000427362.6), dbSNP rs777371808, ClinGen allele CA054819.